The following is an entry in ClinVar:

NM_003280.3(TNNC1):c.286_287delinsAT (p.Glu96Met)

Gene: TNNC1 (troponin C1, slow skeletal and cardiac type; minus strand). Cytogenetic location: 3p21.1.
Variant type: Indel.
Coding change: c.286_287delinsAT on transcript NM_003280.3 (MANE Select); coding-DNA positions 286 to 287, GA replaced by AT.
Protein change: p.Glu96Met; replaces glutamic acid 96 with methionine.
Molecular consequence: missense variant.
Genome position (GRCh38, 1-based): chr3:52,451,774-52,451,775, TC replaced by AT on the plus strand (GA replaced by AT on the coding strand, the reverse complement: TNNC1 is on the minus strand). VCF-style: chr3-52451774-TC-AT. GRCh37 (hg19) VCF-style: chr3-52485790-TC-AT.
Other names: short protein forms E96M.
Identifiers: ClinVar variation 2921612 (VCV002921612.3), dbSNP rs2471444179, ClinGen allele CA2740094476.

ClinVar aggregate classification (germline): Uncertain significance (1 of 4 stars; one submission).

Conditions:
Dilated cardiomyopathy 1Z (CMD1Z). Identifiers: Orphanet 154, MedGen C2678475, MONDO:0012745, OMIM 611879.
Hypertrophic cardiomyopathy 13. Also called: TNNC1-Related Familial Hypertrophic Cardiomyopathy. Identifiers: MedGen C2750472, MONDO:0013195, OMIM 613243.

Submission:

Labcorp Genetics (formerly Invitae), Labcorp
Classification: Uncertain significance for Hypertrophic cardiomyopathy 13; Dilated cardiomyopathy 1Z. Last evaluated: 2023-12-21. Review status: criteria provided, single submitter. Criteria: Invitae Variant Classification Sherloc (09022015). Collection method: clinical testing. Allele origin: germline.
Comment: This sequence change replaces glutamic acid, which is acidic and polar, with methionine, which is neutral and non-polar, at codon 96 of the TNNC1 protein (p.Glu96Met). Information on the frequency of this variant in the gnomAD database is not available, as this variant may be reported differently in the database. This variant has not been reported in the literature in individuals affected with TNNC1-related conditions. An algorithm developed to predict the effect of missense changes on protein structure and function (PolyPhen-2) suggests that this variant is likely to be tolerated. In summary, the available evidence is currently insufficient to determine the role of this variant in disease. Therefore, it has been classified as a Variant of Uncertain Significance.